The following is an entry in ClinVar:

NM_007194.4(CHEK2):c.444+6T>C

Gene: CHEK2 (checkpoint kinase 2; minus strand). Cytogenetic location: 22q12.1.
Variant type: single nucleotide variant.
Coding change: c.444+6T>C on transcript NM_007194.4 (MANE Select); 6 bases into the intron after coding-DNA position 444, T replaced by C.
Molecular consequence: intron variant.
Genome position (GRCh38, 1-based): chr22:28,725,237, A>G on the plus strand (T>C on the coding strand, the complement: CHEK2 is on the minus strand). VCF-style: chr22-28725237-A-G. GRCh37 (hg19) VCF-style: chr22-29121225-A-G.
Other names: c.-220+6T>C (NM_001437942.1); c.444+6T>C (NM_001349956.3, NM_145862.3); c.-334+6T>C (NM_001257387.3); c.537+6T>C (NM_001438295.1, NM_001438293.1); c.573+6T>C (NM_001438294.1, NM_001005735.3).
Identifiers: ClinVar variation 410065 (VCV000410065.15), dbSNP rs1060502720, ClinGen allele CA16616354.

ClinVar aggregate classification (germline): Conflicting classifications of pathogenicity. Review status: criteria provided, conflicting classifications (1 of 4 stars). 4 submissions from 4 submitters: Uncertain significance (3); Likely benign (1). Last evaluated 2025-12-26.

Conditions:
Hereditary cancer-predisposing syndrome. Also called: Tumor predisposition; Hereditary Cancer Syndrome; Hereditary neoplastic syndrome; Neoplastic Syndromes, Hereditary. Identifiers: Orphanet 140162, MedGen C0027672, MeSH D009386, MONDO:0015356.
Familial cancer of breast. Also called: BREAST CANCER, FAMILIAL; Hereditary breast cancer; hereditary breast carcinoma. Identifiers: Orphanet 227535, MedGen C0346153, MONDO:0016419, OMIM 114480. Disease mechanism: loss of function.

Allele frequency attached by ClinVar (database versions not stated): gnomAD exomes below 0.00001; TOPMed below 0.00001; gnomAD 0.00001.
gnomAD v4.1: 3 of 1,613,984 alleles (0.00019%); highest among the groups gnomAD compares: Non-Finnish European, 0.00025%; no homozygotes.

Submissions (4):

Labcorp Genetics (formerly Invitae), Labcorp
Classification: Likely benign for Familial cancer of breast. Last evaluated: 2025-12-26. Review status: criteria provided, single submitter. Criteria: Invitae Variant Classification Sherloc (09022015). Collection method: clinical testing. Allele origin: germline.

Women's Health and Genetics/Laboratory Corporation of America, LabCorp
Classification: Uncertain significance. Last evaluated: 2024-04-02. Review status: criteria provided, single submitter. Criteria: LabCorp Variant Classification Summary - May 2015. Collection method: clinical testing. Allele origin: germline.
Comment: Variant summary: CHEK2 c.444+6T>C alters a conserved nucleotide located close to a canonical splice site and therefore could affect mRNA splicing, leading to a significantly altered protein sequence. Consensus agreement among computation tools predict no significant impact on normal splicing. However, these predictions have yet to be confirmed by functional studies. The variant was absent in 251272 control chromosomes. The available data on variant occurrences in the general population are insufficient to allow any conclusion about variant significance. To our knowledge, no occurrence of c.444+6T>C in individuals affected with Hereditary Breast And Ovarian Cancer Syndrome and no experimental evidence demonstrating its impact on protein function have been reported. ClinVar contains an entry for this variant (Variation ID: 410065). Based on the evidence outlined above, the variant was classified as uncertain significance.

GeneDx
Classification: Uncertain significance. Last evaluated: 2024-01-05. Review status: criteria provided, single submitter. Criteria: GeneDx Variant Classification Process June 2021. Collection method: clinical testing. Allele origin: germline. Affected: yes.
Comment: Not observed at significant frequency in large population cohorts (gnomAD); Functional studies indicate this variant does not impact splicing (PMID: 37725924); In silico analysis suggests this variant may impact gene splicing; This variant is associated with the following publications: (PMID: 37725924)

Color Diagnostics, LLC DBA Color Health
Classification: Uncertain significance for Hereditary cancer-predisposing syndrome. Last evaluated: 2021-09-20. Review status: criteria provided, single submitter. Criteria: ACMG Guidelines, 2015. Collection method: clinical testing. Allele origin: germline.
Comment: This variant causes a T to C nucleotide substitution at the +6 position of intron 3 of the CHEK2 gene. To our knowledge, functional studies have not been reported for this variant. This variant has not been reported in individuals affected with hereditary cancer in the literature. This variant has not been identified in the general population by the Genome Aggregation Database (gnomAD). The available evidence is insufficient to determine the role of this variant in disease conclusively. Therefore, this variant is classified as a Variant of Uncertain Significance.